The following is an entry in ClinVar:

ClinVar aggregate classification (germline): Uncertain significance (1 of 4 stars; one submission).

Conditions:
Adams-Oliver syndrome 5 (AOS5). Identifiers: Orphanet 974, MedGen C4014970, MONDO:0014459, OMIM 616028.

Submission:

Labcorp Genetics (formerly Invitae), Labcorp
Classification: Uncertain significance for Adams-Oliver syndrome 5. Last evaluated: 2025-03-05. Review status: criteria provided, single submitter. Criteria: Invitae Variant Classification Sherloc (09022015). Collection method: clinical testing. Allele origin: germline.
Comment: This sequence change replaces cysteine, which is neutral and slightly polar, with arginine, which is basic and polar, at codon 762 of the NOTCH1 protein (p.Cys762Arg). This variant is not present in population databases (gnomAD no frequency). This variant has not been reported in the literature in individuals affected with NOTCH1-related conditions. Invitae Evidence Modeling of protein sequence and biophysical properties (such as structural, functional, and spatial information, amino acid conservation, physicochemical variation, residue mobility, and thermodynamic stability) indicates that this missense variant is expected to disrupt NOTCH1 protein function with a positive predictive value of 80%. In summary, the available evidence is currently insufficient to determine the role of this variant in disease. Therefore, it has been classified as a Variant of Uncertain Significance.

NM_017617.5(NOTCH1):c.2284T>C (p.Cys762Arg)

Gene: NOTCH1 (notch receptor 1; minus strand). Cytogenetic location: 9q34.3.
Variant type: single nucleotide variant.
Coding change: c.2284T>C on transcript NM_017617.5 (MANE Select); coding-DNA position 2284, T replaced by C.
Protein change: p.Cys762Arg; replaces cysteine 762 with arginine.
Molecular consequence: missense variant.
Genome position (GRCh38, 1-based): chr9:136,513,461, A>G on the plus strand (T>C on the coding strand, the complement: NOTCH1 is on the minus strand). VCF-style: chr9-136513461-A-G. GRCh37 (hg19) VCF-style: chr9-139407913-A-G.
Other names: short protein forms C762R.
Identifiers: ClinVar variation 4765882 (VCV004765882.1).
Genomic context (GRCh38, chr9:136,513,461, plus strand): 5'-CCTCCCGGCAGGTGCACACGTAGCCACTGGTCATGTCTTTGCAGGTGCCGCCGTTGACAC[A>G]AGGGTTGGATTCACACTCATTGTTGTTGATGTCACAGTTGGTCCCACTCCACCCAGGGTC-3'
Protein context (NP_060087.3, residues 752-772): INNNECESNP[Cys762Arg]VNGGTCKDMT